The following continues an entry in ClinVar:

NM_004082.5(DCTN1):c.3529+5G>A

Gene: DCTN1. ClinVar aggregate classification (germline): Benign/Likely benign. Benign (9); Likely benign (3).

Submissions 27 to 55 of 55:

Dr. Peter K. Rogan Lab, Western University
No classification provided (evidence only). Condition: Familial cancer of breast. Review status: no classification provided. Collection method: in vitro. Allele origin: not applicable. Functional consequence: retained intron. Not counted in ClinVar's aggregate classification.

Dr. Peter K. Rogan Lab, Western University
No classification provided (evidence only). Condition: Familial cancer of breast. Review status: no classification provided. Collection method: in vitro. Allele origin: not applicable. Functional consequence: retained intron. Not counted in ClinVar's aggregate classification.

Dr. Peter K. Rogan Lab, Western University
No classification provided (evidence only). Condition: Acute myeloid leukemia. Review status: no classification provided. Collection method: in vitro. Allele origin: not applicable. Functional consequence: retained intron. Not counted in ClinVar's aggregate classification.

Dr. Peter K. Rogan Lab, Western University
No classification provided (evidence only). Condition: Colon adenocarcinoma. Review status: no classification provided. Collection method: in vitro. Allele origin: not applicable. Functional consequence: retained intron. Not counted in ClinVar's aggregate classification.

Dr. Peter K. Rogan Lab, Western University
No classification provided (evidence only). Condition: Colon adenocarcinoma. Review status: no classification provided. Collection method: in vitro. Allele origin: not applicable. Functional consequence: retained intron. Not counted in ClinVar's aggregate classification.

Dr. Peter K. Rogan Lab, Western University
No classification provided (evidence only). Condition: Uterine corpus endometrial carcinoma. Review status: no classification provided. Collection method: in vitro. Allele origin: not applicable. Functional consequence: retained intron. Not counted in ClinVar's aggregate classification.

Dr. Peter K. Rogan Lab, Western University
No classification provided (evidence only). Condition: Cervical cancer. Review status: no classification provided. Collection method: in vitro. Allele origin: not applicable. Functional consequence: retained intron. Not counted in ClinVar's aggregate classification.

Dr. Peter K. Rogan Lab, Western University
No classification provided (evidence only). Condition: Cervical cancer. Review status: no classification provided. Collection method: in vitro. Allele origin: not applicable. Functional consequence: retained intron. Not counted in ClinVar's aggregate classification.

Dr. Peter K. Rogan Lab, Western University
No classification provided (evidence only). Condition: Cervical cancer. Review status: no classification provided. Collection method: in vitro. Allele origin: not applicable. Functional consequence: retained intron. Not counted in ClinVar's aggregate classification.

Dr. Peter K. Rogan Lab, Western University
No classification provided (evidence only). Condition: Cervical cancer. Review status: no classification provided. Collection method: in vitro. Allele origin: not applicable. Functional consequence: retained intron. Not counted in ClinVar's aggregate classification.

Dr. Peter K. Rogan Lab, Western University
No classification provided (evidence only). Condition: Cervical cancer. Review status: no classification provided. Collection method: in vitro. Allele origin: not applicable. Functional consequence: retained intron. Not counted in ClinVar's aggregate classification.

Dr. Peter K. Rogan Lab, Western University
No classification provided (evidence only). Condition: Cervical cancer. Review status: no classification provided. Collection method: in vitro. Allele origin: not applicable. Functional consequence: retained intron. Not counted in ClinVar's aggregate classification.

Dr. Peter K. Rogan Lab, Western University
No classification provided (evidence only). Condition: Sarcoma. Review status: no classification provided. Collection method: in vitro. Allele origin: not applicable. Functional consequence: retained intron. Not counted in ClinVar's aggregate classification.

Dr. Peter K. Rogan Lab, Western University
No classification provided (evidence only). Condition: Sarcoma. Review status: no classification provided. Collection method: in vitro. Allele origin: not applicable. Functional consequence: retained intron. Not counted in ClinVar's aggregate classification.

Dr. Peter K. Rogan Lab, Western University
No classification provided (evidence only). Condition: Sarcoma. Review status: no classification provided. Collection method: in vitro. Allele origin: not applicable. Functional consequence: retained intron. Not counted in ClinVar's aggregate classification.

Dr. Peter K. Rogan Lab, Western University
No classification provided (evidence only). Condition: Nonpapillary renal cell carcinoma. Review status: no classification provided. Collection method: in vitro. Allele origin: not applicable. Functional consequence: retained intron. Not counted in ClinVar's aggregate classification.

Dr. Peter K. Rogan Lab, Western University
No classification provided (evidence only). Condition: Cholangiocarcinoma. Review status: no classification provided. Collection method: in vitro. Allele origin: not applicable. Functional consequence: retained intron. Not counted in ClinVar's aggregate classification.

Dr. Peter K. Rogan Lab, Western University
No classification provided (evidence only). Condition: Ovarian serous cystadenocarcinoma. Review status: no classification provided. Collection method: in vitro. Allele origin: not applicable. Functional consequence: retained intron. Not counted in ClinVar's aggregate classification.

Dr. Peter K. Rogan Lab, Western University
No classification provided (evidence only). Condition: Ovarian serous cystadenocarcinoma. Review status: no classification provided. Collection method: in vitro. Allele origin: not applicable. Functional consequence: retained intron. Not counted in ClinVar's aggregate classification.

Dr. Peter K. Rogan Lab, Western University
No classification provided (evidence only). Condition: Ovarian serous cystadenocarcinoma. Review status: no classification provided. Collection method: in vitro. Allele origin: not applicable. Functional consequence: retained intron. Not counted in ClinVar's aggregate classification.

Dr. Peter K. Rogan Lab, Western University
No classification provided (evidence only). Condition: Ovarian serous cystadenocarcinoma. Review status: no classification provided. Collection method: in vitro. Allele origin: not applicable. Functional consequence: retained intron. Not counted in ClinVar's aggregate classification.

Dr. Peter K. Rogan Lab, Western University
No classification provided (evidence only). Condition: Gastric cancer. Review status: no classification provided. Collection method: in vitro. Allele origin: not applicable. Functional consequence: retained intron. Not counted in ClinVar's aggregate classification.

Dr. Peter K. Rogan Lab, Western University
No classification provided (evidence only). Condition: Adrenocortical carcinoma, hereditary. Review status: no classification provided. Collection method: in vitro. Allele origin: not applicable. Functional consequence: retained intron. Not counted in ClinVar's aggregate classification.

Dr. Peter K. Rogan Lab, Western University
No classification provided (evidence only). Condition: Uterine carcinosarcoma. Review status: no classification provided. Collection method: in vitro. Allele origin: not applicable. Functional consequence: retained intron. Not counted in ClinVar's aggregate classification.

Dr. Peter K. Rogan Lab, Western University
No classification provided (evidence only). Condition: Uveal melanoma. Review status: no classification provided. Collection method: in vitro. Allele origin: not applicable. Functional consequence: retained intron. Not counted in ClinVar's aggregate classification.

Dr. Peter K. Rogan Lab, Western University
No classification provided (evidence only). Condition: Malignant tumor of esophagus. Review status: no classification provided. Collection method: in vitro. Allele origin: not applicable. Functional consequence: retained intron. Not counted in ClinVar's aggregate classification.

Dr. Peter K. Rogan Lab, Western University
No classification provided (evidence only). Condition: Familial pancreatic carcinoma. Review status: no classification provided. Collection method: in vitro. Allele origin: not applicable. Functional consequence: retained intron. Not counted in ClinVar's aggregate classification.

Dr. Peter K. Rogan Lab, Western University
No classification provided (evidence only). Condition: Lymphoma. Review status: no classification provided. Collection method: in vitro. Allele origin: not applicable. Functional consequence: retained intron. Not counted in ClinVar's aggregate classification.

Dr. Peter K. Rogan Lab, Western University
No classification provided (evidence only). Condition: Ovarian cancer. Review status: no classification provided. Collection method: in vitro. Allele origin: not applicable. Functional consequence: retained intron. Not counted in ClinVar's aggregate classification.

Literature cited by the submitters: PubMed 19506225 (cited by Athena Diagnostics); PubMed 32028661 (cited by Athena Diagnostics); PubMed 33006056 (cited by Athena Diagnostics); PubMed 37952009 (cited by Athena Diagnostics); PubMed 37301908 (cited by Athena Diagnostics).